The following is an entry in ClinVar:

NM_004525.3(LRP2):c.13545G>A (p.Gly4515=)

Gene: LRP2 (LDL receptor related protein 2; minus strand). Cytogenetic location: 2q31.1.
Variant type: single nucleotide variant.
Coding change: c.13545G>A on transcript NM_004525.3 (MANE Select); coding-DNA position 13545, G replaced by A.
Protein change: p.Gly4515=; no amino-acid change (glycine 4515 retained).
Molecular consequence: synonymous variant.
Genome position (GRCh38, 1-based): chr2:169,137,467, C>T on the plus strand (G>A on the coding strand, the complement: LRP2 is on the minus strand). VCF-style: chr2-169137467-C-T. GRCh37 (hg19) VCF-style: chr2-169993977-C-T.
Other names: p.Gly4515=.
Identifiers: ClinVar variation 789968 (VCV000789968.14), dbSNP rs34029982, ClinGen allele CA1952494.

ClinVar aggregate classification (germline): Benign. Review status: criteria provided, multiple submitters, no conflicts (2 of 4 stars). 4 submissions from 4 submitters: Benign (4). Last evaluated 2026-02-04.

Conditions:
Donnai-Barrow syndrome. Also called: DBS/FOAR SYNDROME; FACIOOCULOACOUSTICORENAL SYNDROME. Identifiers: Orphanet 2143, MedGen C1857277, MONDO:0009104, OMIM 222448.

Allele frequency attached by ClinVar (database versions not stated): gnomAD exomes 0.00059 and 0.00168; ExAC 0.00205; 1000 Genomes Project 30x 0.00484; 1000 Genomes Project 0.00519; gnomAD 0.00669 and 0.00725; ESP Exome Variant Server 0.00730; TOPMed 0.00734.
gnomAD v4.1: 1,911 of 1,613,050 alleles (0.12%); highest among the groups gnomAD compares: African/African-American, 2.3%; 24 homozygotes.

Submissions (4):

Labcorp Genetics (formerly Invitae), Labcorp
Classification: Benign. Last evaluated: 2026-02-04. Review status: criteria provided, single submitter. Criteria: Invitae Variant Classification Sherloc (09022015). Collection method: clinical testing. Allele origin: germline.

Mayo Clinic Laboratories, Mayo Clinic
Classification: Benign. Last evaluated: 2025-06-20. Review status: criteria provided, single submitter. Criteria: ACMG Guidelines, 2015. Collection method: clinical testing. Allele origin: germline. Observed: 2 variant alleles.
Comment: BS1, BS2, BP4, BP7

Fulgent Genetics
Classification: Benign for Donnai-Barrow syndrome. Last evaluated: 2021-10-03. Review status: criteria provided, single submitter. Criteria: ACMG Guidelines, 2015. Collection method: clinical testing. Allele origin: unknown.

Breakthrough Genomics
Classification: Benign. Review status: criteria provided, single submitter. Criteria: ACMG Guidelines, 2015. Collection method: not provided. Allele origin: germline. Inheritance: Autosomal recessive inheritance. Affected: yes.